The following is an entry in ClinVar:

NM_001853.4(COL9A3):c.763C>T (p.Pro255Ser)

Gene: COL9A3 (collagen type IX alpha 3 chain; plus strand). Cytogenetic location: 20q13.33.
Variant type: single nucleotide variant.
Coding change: c.763C>T on transcript NM_001853.4 (MANE Select); coding-DNA position 763, C replaced by T.
Protein change: p.Pro255Ser; replaces proline 255 with serine.
Molecular consequence: missense variant.
Genome position (GRCh38, 1-based): chr20:62,826,791, C>T. VCF-style: chr20-62826791-C-T. GRCh37 (hg19) VCF-style: chr20-61458143-C-T.
Other names: short protein forms P255S.
Identifiers: ClinVar variation 1327271 (VCV001327271.14), dbSNP rs201294093, ClinGen allele CA9949485.

ClinVar aggregate classification (germline): Conflicting classifications of pathogenicity. Review status: criteria provided, conflicting classifications (1 of 4 stars). 4 submissions from 4 submitters: Uncertain significance (3); Likely benign (1). Last evaluated 2025-12-01.

Conditions:
Inborn genetic diseases. Identifiers: MedGen C0950123, MeSH D030342.

Allele frequency attached by ClinVar (database versions not stated): gnomAD exomes 0.00011 and 0.00013; ExAC 0.00013; gnomAD 0.00016 and 0.00017; TOPMed 0.00018; 1000 Genomes Project 30x 0.00031; 1000 Genomes Project 0.00040.
gnomAD v4.1: 214 of 1,612,830 alleles (0.013%); highest among the groups gnomAD compares: Middle Eastern, 0.033%; no homozygotes.

Submissions (4):

Labcorp Genetics (formerly Invitae), Labcorp
Classification: Likely benign. Last evaluated: 2025-12-01. Review status: criteria provided, single submitter. Criteria: Invitae Variant Classification Sherloc (09022015). Collection method: clinical testing. Allele origin: germline.

GeneDx
Classification: Uncertain significance. Last evaluated: 2025-10-03. Review status: criteria provided, single submitter. Criteria: GeneDx Variant Classification Process June 2021. Collection method: clinical testing. Allele origin: germline. Affected: yes.
Comment: Has not been previously published as pathogenic or benign in association with a COL9A3-related disorder to our knowledge; In silico analysis supports that this missense variant does not alter protein structure/function; This variant is associated with the following publications: (PMID: 25668207)

Ambry Genetics
Classification: Uncertain significance for Inborn genetic diseases. Last evaluated: 2025-09-22. Review status: criteria provided, single submitter. Criteria: Ambry Variant Classification Scheme 2023. Collection method: clinical testing. Allele origin: germline.

Blueprint Genetics
Classification: Uncertain significance. Last evaluated: 2024-08-08. Review status: criteria provided, single submitter. Criteria: ACMG Guidelines, 2015. Collection method: clinical testing. Allele origin: germline.